The following is an entry in ClinVar:

NM_015450.3(POT1):c.1795G>T (p.Ala599Ser)

Gene: POT1 (protection of telomeres 1; minus strand). Cytogenetic location: 7q31.33.
Variant type: single nucleotide variant.
Coding change: c.1795G>T on transcript NM_015450.3 (MANE Select); coding-DNA position 1795, G replaced by T.
Protein change: p.Ala599Ser; replaces alanine 599 with serine.
Molecular consequence: missense variant. On other transcripts: non-coding transcript variant (3).
Genome position (GRCh38, 1-based): chr7:124,824,072, C>A on the plus strand (G>T on the coding strand, the complement: POT1 is on the minus strand). VCF-style: chr7-124824072-C-A. GRCh37 (hg19) VCF-style: chr7-124464126-C-A.
Other names: c.1402G>T, p.Ala468Ser (NM_001042594.2); short protein forms A468S, A599S.
Identifiers: ClinVar variation 1780257 (VCV001780257.7), dbSNP rs1794572799, ClinGen allele CA369061348.

ClinVar aggregate classification (germline): Uncertain significance. Review status: criteria provided, multiple submitters, no conflicts (2 of 4 stars). 2 submissions from 2 submitters: Uncertain significance (2). Last evaluated 2024-05-02.

Conditions:
Tumor predisposition syndrome 3 (TPDS3). Also called: Glioma susceptibility 9; LONG TELOMERE SYNDROME, POT1-RELATED; POT1 Tumor Predisposition; Melanoma, cutaneous malignant, susceptibility to, 10. Identifiers: Orphanet 618, MedGen C4014476, MONDO:0014368, OMIM 615848.
Hereditary cancer-predisposing syndrome. Also called: Tumor predisposition; Neoplastic Syndromes, Hereditary; Hereditary Cancer Syndrome; Hereditary neoplastic syndrome. Identifiers: Orphanet 140162, MedGen C0027672, MeSH D009386, MONDO:0015356.

Allele frequency attached by ClinVar (database versions not stated): gnomAD exomes below 0.00001.
gnomAD v4.1: 1 of 1,572,742 alleles (0.000064%); highest among the groups gnomAD compares: Non-Finnish European, 0.000087%; no homozygotes.

Submissions (2):

Labcorp Genetics (formerly Invitae), Labcorp
Classification: Uncertain significance for Tumor predisposition syndrome 3. Last evaluated: 2024-05-02. Review status: criteria provided, single submitter. Criteria: Invitae Variant Classification Sherloc (09022015). Collection method: clinical testing. Allele origin: germline.
Comment: This sequence change replaces alanine, which is neutral and non-polar, with serine, which is neutral and polar, at codon 599 of the POT1 protein (p.Ala599Ser). This variant is not present in population databases (gnomAD no frequency). This variant has not been reported in the literature in individuals affected with POT1-related conditions. ClinVar contains an entry for this variant (Variation ID: 1780257). An algorithm developed to predict the effect of missense changes on protein structure and function (PolyPhen-2) suggests that this variant is likely to be tolerated. In summary, the available evidence is currently insufficient to determine the role of this variant in disease. Therefore, it has been classified as a Variant of Uncertain Significance.

Ambry Genetics
Classification: Uncertain significance for Hereditary cancer-predisposing syndrome. Last evaluated: 2020-12-01. Review status: criteria provided, single submitter. Criteria: Ambry Variant Classification Scheme 2023. Collection method: clinical testing. Allele origin: germline.
Comment: The p.A599S variant (also known as c.1795G>T), located in coding exon 15 of the POT1 gene, results from a G to T substitution at nucleotide position 1795. The alanine at codon 599 is replaced by serine, an amino acid with similar properties. This amino acid position is not well conserved in available vertebrate species. In addition, this alteration is predicted to be tolerated by in silico analysis. Since supporting evidence is limited at this time, the clinical significance of this alteration remains unclear.